The following is an entry in ClinVar:

NM_000540.3(RYR1):c.2290C>T (p.Gln764Ter)

Gene: RYR1 (ryanodine receptor 1; plus strand). Cytogenetic location: 19q13.2.
Variant type: single nucleotide variant.
Coding change: c.2290C>T on transcript NM_000540.3 (MANE Select); coding-DNA position 2290, C replaced by T.
Protein change: p.Gln764Ter; replaces glutamine 764 with a stop codon.
Molecular consequence: nonsense.
Genome position (GRCh38, 1-based): chr19:38,459,268, C>T. VCF-style: chr19-38459268-C-T. GRCh37 (hg19) VCF-style: chr19-38949908-C-T.
Other names: c.2290C>T, p.Gln764Ter (NM_001042723.2); short protein forms Q764*.
Identifiers: ClinVar variation 666984 (VCV000666984.14), dbSNP rs371455345, ClinGen allele CA063087.

ClinVar aggregate classification (germline): Pathogenic/Likely pathogenic. Review status: criteria provided, multiple submitters, no conflicts (2 of 4 stars). 2 submissions from 2 submitters: Pathogenic (1); Likely pathogenic (1). Last evaluated 2020-04-22.

Conditions:
Central core myopathy (CMYO1A). Also called: Central core disease; Myopathy, central fibrillar; CONGENITAL MYOPATHY 1A, AUTOSOMAL DOMINANT, WITH SUSCEPTIBILITY TO MALIGNANT HYPERTHERMIA. Identifiers: Orphanet 597, MedGen C5830701, MONDO:0007294, OMIM 117000.
RYR1-related disorder. Also called: RYR1-related condition; RYR1-related disorders. Identifiers: MedGen CN239331.

Allele frequency attached by ClinVar (database versions not stated): gnomAD exomes below 0.00001; ExAC 0.00001; ESP Exome Variant Server 0.00008.

Submissions (2):

Labcorp Genetics (formerly Invitae), Labcorp
Classification: Pathogenic for RYR1-related disorder. Last evaluated: 2020-04-22. Review status: criteria provided, single submitter. Criteria: Invitae Variant Classification Sherloc (09022015). Collection method: clinical testing. Allele origin: germline.
Comment: For these reasons, this variant has been classified as Pathogenic. Loss-of-function variants in RYR1 are known to be pathogenic (PMID: 20583297, 20839240, 23919265, 28818389). This variant has not been reported in the literature in individuals with RYR1-related conditions. ClinVar contains an entry for this variant (Variation ID: 666984). This variant is present in population databases (rs371455345, ExAC 0.001%). This sequence change creates a premature translational stop signal (p.Gln764*) in the RYR1 gene. It is expected to result in an absent or disrupted protein product.

Laboratory for Molecular Medicine, Mass General Brigham Personalized Medicine
Classification: Likely pathogenic for Central core myopathy. Last evaluated: 2018-03-12. Review status: criteria provided, single submitter. Criteria: LMM Criteria. Collection method: clinical testing. Allele origin: germline. Inheritance: Autosomal recessive inheritance. Observed: 1 variant allele.
Comment: The p.Gln764X variant in RYR1 has not been reported in individuals with myopathy , but has been identified in 1/111,698 European chromosomes by the Genome Aggreg ation Database (gnomAD; dbSNP rs371455345). Th is nonsense variant leads to a premature termination codon at position 764, and is predicted to lead to a truncated or absent protein. Loss of function of the R YR1 gene is associated with myopathy, including central core disease, multi-mini core disease, centronuclear myopathy, and congenital fiber type disproportion. I n summary, although additional studies are required to fully establish its clini cal significance, the p.Gln764X variant is likely pathogenic for RYR1-related my opathy in an autosomal recessive manner. ACMG/AMP Criteria applied: PVS1, PM2.

Literature cited by the submitters: PubMed 20583297 (cited by Labcorp Genetics (formerly Invitae), Labcorp); PubMed 20839240 (cited by Labcorp Genetics (formerly Invitae), Labcorp); PubMed 23919265 (cited by Labcorp Genetics (formerly Invitae), Labcorp); PubMed 28818389 (cited by Labcorp Genetics (formerly Invitae), Labcorp).